The following is an entry in ClinVar:

NM_004603.4(STX1A):c.668_670del (p.Val223del)

Gene: STX1A (syntaxin 1A; minus strand). Cytogenetic location: 7q11.23.
Variant type: Deletion.
Coding change: c.668_670del on transcript NM_004603.4 (MANE Select); coding-DNA positions 668 to 670, 3 bases deleted (TGG; older notation c.668_670delTGG).
Protein change: p.Val223del; deletes valine 223.
Molecular consequence: inframe deletion.
Genome position (GRCh38, 1-based): chr7:73,702,853-73,702,855, CCA deleted on the plus strand (TGG on the coding strand, the reverse complement: STX1A is on the minus strand); deleting any 3 consecutive bases within chr7:73,702,853-73,702,856 gives the same sequence; the c. name uses the placement nearest the transcript's 3' end. VCF-style (leftmost placement, unchanged base first): chr7-73702852-TCCA-T. GRCh37 (hg19) VCF-style: chr7-73117182-TCCA-T.
Other names: c.668_670del, p.Val223del (NM_001165903.2); short protein forms V223del.
Identifiers: ClinVar variation 1679130 (VCV001679130.1), dbSNP rs2116730968, ClinGen allele CA2573142292.

ClinVar aggregate classification (germline): Likely pathogenic (1 of 4 stars; one submission).

Conditions:
Autism (AUTS). Also called: Autistic disorder of childhood onset; Autistic disorder. Identifiers: MedGen C0004352, MeSH D001321, MONDO:0005260, OMIM 209850, HP:0000717.
Intellectual disability. Also called: Intellectual developmental disorder; Intellectual functioning disability; intellectual disabilities. Identifiers: MedGen C3714756, MeSH D008607, MONDO:0001071, HP:0001249.

Submission:

Institute of Human Genetics, University of Leipzig Medical Center
Classification: Likely pathogenic for Intellectual disability; Autism. Last evaluated: 2022-04-22. Review status: criteria provided, single submitter. Criteria: ACMG Guidelines, 2015. Collection method: research. Allele origin: germline. Affected: yes.
Comment: Parental segregation was not possible.

Literature cited by the submitters: DOI doi.org/10.1101/2022.04.20.22274073.